The following is an entry in ClinVar:

ClinVar aggregate classification (germline): Uncertain significance. Review status: criteria provided, multiple submitters, no conflicts (2 of 4 stars). 3 submissions from 3 submitters: Uncertain significance (2). 1 of the submissions does not count toward it. Last evaluated 2023-10-16.

Conditions:
SBF1-related disorder. Also called: SBF1-related condition.

Allele frequency attached by ClinVar (database versions not stated): gnomAD 0.00002; ExAC 0.00003; TOPMed 0.00003; gnomAD exomes 0.00005; ESP Exome Variant Server 0.00008.
gnomAD v4.1: 74 of 1,613,784 alleles (0.0046%); highest among the groups gnomAD compares: Non-Finnish European, 0.0058%; no homozygotes.

Submissions (3):

Mayo Clinic Laboratories, Mayo Clinic
Classification: Uncertain significance. Last evaluated: 2023-10-16. Review status: criteria provided, single submitter. Criteria: ACMG Guidelines, 2015. Collection method: clinical testing. Allele origin: germline. Observed: 1 variant allele.
Comment: BP4, PM2_moderate

Labcorp Genetics (formerly Invitae), Labcorp
Classification: Uncertain significance. Last evaluated: 2022-03-26. Review status: criteria provided, single submitter. Criteria: Invitae Variant Classification Sherloc (09022015). Collection method: clinical testing. Allele origin: germline.
Comment: This sequence change replaces alanine, which is neutral and non-polar, with valine, which is neutral and non-polar, at codon 89 of the SBF1 protein (p.Ala89Val). This variant is present in population databases (rs372241531, gnomAD 0.007%). This variant has not been reported in the literature in individuals affected with SBF1-related conditions. Algorithms developed to predict the effect of missense changes on protein structure and function output the following: SIFT: "Tolerated"; PolyPhen-2: "Benign"; Align-GVGD: "Class C0". The valine amino acid residue is found in multiple mammalian species, which suggests that this missense change does not adversely affect protein function. In summary, the available evidence is currently insufficient to determine the role of this variant in disease. Therefore, it has been classified as a Variant of Uncertain Significance.

PreventionGenetics, part of Exact Sciences
Classification: Uncertain significance for SBF1-related condition. Last evaluated: 2024-05-11. Review status: no assertion criteria provided. Collection method: clinical testing. Allele origin: germline. Not counted in ClinVar's aggregate classification.
Comment: The SBF1 c.266C>T variant is predicted to result in the amino acid substitution p.Ala89Val. To our knowledge, this variant has not been reported in the literature. This variant is reported in 0.0053% of alleles in individuals of European (Non-Finnish) descent in gnomAD. At this time, the clinical significance of this variant is uncertain due to the absence of conclusive functional and genetic evidence.

NM_002972.4(SBF1):c.266C>T (p.Ala89Val)

Gene: SBF1 (SET binding factor 1; minus strand). Cytogenetic location: 22q13.33.
Variant type: single nucleotide variant.
Coding change: c.266C>T on transcript NM_002972.4 (MANE Select); coding-DNA position 266, C replaced by T.
Protein change: p.Ala89Val; replaces alanine 89 with valine.
Molecular consequence: missense variant.
Genome position (GRCh38, 1-based): chr22:50,467,799, G>A on the plus strand (C>T on the coding strand, the complement: SBF1 is on the minus strand). VCF-style: chr22-50467799-G-A. GRCh37 (hg19) VCF-style: chr22-50906228-G-A.
Other names: p.Ala89Val; c.266C>T, p.Ala89Val (NM_001365819.1, NM_001410794.1, NM_001410795.1 and 1 more transcripts); c.266C>T (NM_002972.3); short protein forms A89V.
Identifiers: ClinVar variation 2186335 (VCV002186335.3), dbSNP rs372241531, ClinGen allele CA10318180.